The following is an entry in ClinVar:

ClinVar aggregate classification (germline): Uncertain significance. Review status: criteria provided, multiple submitters, no conflicts (2 of 4 stars). 3 submissions from 3 submitters: Uncertain significance (3). Last evaluated 2024-03-28.

Conditions:
Inborn genetic diseases. Identifiers: MedGen C0950123, MeSH D030342.

Allele frequency attached by ClinVar (database versions not stated): TOPMed 0.00001.

Submissions (3):

Labcorp Genetics (formerly Invitae), Labcorp
Classification: Uncertain significance. Last evaluated: 2024-03-28. Review status: criteria provided, single submitter. Criteria: Invitae Variant Classification Sherloc (09022015). Collection method: clinical testing. Allele origin: germline.
Comment: This sequence change replaces tyrosine, which is neutral and polar, with histidine, which is basic and polar, at codon 23 of the MAGEL2 protein (p.Tyr23His). This variant is not present in population databases (gnomAD no frequency). This variant has not been reported in the literature in individuals affected with MAGEL2-related conditions. ClinVar contains an entry for this variant (Variation ID: 424447). Algorithms developed to predict the effect of missense changes on protein structure and function output the following: SIFT: "Not Available"; PolyPhen-2: "Not Available"; Align-GVGD: "Not Available". The histidine amino acid residue is found in multiple mammalian species, which suggests that this missense change does not adversely affect protein function. In summary, the available evidence is currently insufficient to determine the role of this variant in disease. Therefore, it has been classified as a Variant of Uncertain Significance.

Ambry Genetics
Classification: Uncertain significance for Inborn genetic diseases. Last evaluated: 2023-03-02. Review status: criteria provided, single submitter. Criteria: Ambry Variant Classification Scheme 2023. Collection method: clinical testing. Allele origin: germline.

GeneDx
Classification: Uncertain significance. Last evaluated: 2020-05-27. Review status: criteria provided, single submitter. Criteria: GeneDx Variant Classification Process June 2021. Collection method: clinical testing. Allele origin: germline. Affected: yes.
Comment: Not observed in large population cohorts (Lek et al., 2016); In silico analysis supports that this missense variant does not alter protein structure/function; Has not been previously published as pathogenic or benign to our knowledge

NM_019066.5(MAGEL2):c.67T>C (p.Tyr23His)

Gene: MAGEL2 (MAGE family member L2; minus strand). Cytogenetic location: 15q11.2.
Variant type: single nucleotide variant.
Coding change: c.67T>C on transcript NM_019066.5 (MANE Select); coding-DNA position 67, T replaced by C.
Protein change: p.Tyr23His; replaces tyrosine 23 with histidine.
Molecular consequence: missense variant.
Genome position (GRCh38, 1-based): chr15:23,647,676, A>G on the plus strand (T>C on the coding strand, the complement: MAGEL2 is on the minus strand). VCF-style: chr15-23647676-A-G. GRCh37 (hg19) VCF-style: chr15-23892823-A-G.
Other names: short protein forms Y23H.
Identifiers: ClinVar variation 424447 (VCV000424447.7), dbSNP rs943915263, ClinGen allele CA16619902.